The following is an entry in ClinVar:

ClinVar aggregate classification (germline): Benign/Likely benign. Review status: criteria provided, multiple submitters, no conflicts (2 of 4 stars). 5 submissions from 5 submitters: Benign (1); Likely benign (3). 1 of the submissions does not count toward it. Last evaluated 2025-11-09.

Conditions:
Tuberous sclerosis 2 (TSC2). Identifiers: Orphanet 805, MedGen C1860707, MONDO:0013199, OMIM 613254.
TSC2-related disorder. Also called: TSC2-Related Disorders; TSC2-related condition.
Hereditary cancer-predisposing syndrome. Also called: Neoplastic Syndromes, Hereditary; Hereditary neoplastic syndrome; Hereditary Cancer Syndrome; Tumor predisposition. Identifiers: Orphanet 140162, MedGen C0027672, MeSH D009386, MONDO:0015356.

Allele frequency attached by ClinVar (database versions not stated): gnomAD exomes 0.00001 and 0.00002; TOPMed 0.00001; ExAC 0.00002.
gnomAD v4.1: 14 of 1,609,118 alleles (0.00087%); highest among the groups gnomAD compares: Non-Finnish European, 0.0011%; no homozygotes.

Submissions (5):

Labcorp Genetics (formerly Invitae), Labcorp
Classification: Likely benign for Tuberous sclerosis 2. Last evaluated: 2025-11-09. Review status: criteria provided, single submitter. Criteria: Invitae Variant Classification Sherloc (09022015). Collection method: clinical testing. Allele origin: germline.

Myriad Genetics, Inc.
Classification: Benign for Tuberous sclerosis 2. Last evaluated: 2025-06-05. Review status: criteria provided, single submitter. Criteria: Myriad Autosomal Dominant, Autosomal Recessive and X-Linked Classification Criteria (2023). Collection method: clinical testing. Allele origin: unknown.
Comment: This variant is considered benign. This variant is a silent/synonymous amino acid change and it is not expected to impact splicing.

Blueprint Genetics
Classification: Likely benign. Last evaluated: 2023-12-18. Review status: criteria provided, single submitter. Criteria: ACMG Guidelines, 2015. Collection method: clinical testing. Allele origin: germline.

Ambry Genetics
Classification: Likely benign for Hereditary cancer-predisposing syndrome. Last evaluated: 2020-01-27. Review status: criteria provided, single submitter. Criteria: Ambry Variant Classification Scheme 2023. Collection method: clinical testing. Allele origin: germline.

PreventionGenetics, part of Exact Sciences
Classification: Likely benign for TSC2-related condition. Last evaluated: 2021-04-26. Review status: no assertion criteria provided. Collection method: clinical testing. Allele origin: germline. Not counted in ClinVar's aggregate classification.
Comment: This variant is classified as likely benign based on ACMG/AMP sequence variant interpretation guidelines (Richards et al. 2015 PMID: 25741868, with internal and published modifications).

NM_000548.5(TSC2):c.4941C>T (p.Ser1647=)

Gene: TSC2 (TSC complex subunit 2; plus strand). Cytogenetic location: 16p13.3.
Variant type: single nucleotide variant.
Coding change: c.4941C>T on transcript NM_000548.5 (MANE Select); coding-DNA position 4941, C replaced by T.
Protein change: p.Ser1647=; no amino-acid change (serine 1647 retained).
Molecular consequence: synonymous variant.
Genome position (GRCh38, 1-based): chr16:2,086,823, C>T. VCF-style: chr16-2086823-C-T. GRCh37 (hg19) VCF-style: chr16-2136824-C-T.
Other names: c.4740C>T, p.Ser1580= (NM_001077183.3); c.4872C>T, p.Ser1624= (NM_001114382.3); c.4632C>T, p.Ser1544= (NM_001318827.2); c.4596C>T, p.Ser1532= (NM_001318829.2); c.4209C>T, p.Ser1403= (NM_001318831.2); c.4773C>T, p.Ser1591= (NM_001318832.2); c.4743C>T, p.Ser1581= (NM_001363528.2); c.4809C>T, p.Ser1603= (NM_001370404.1); and 2 more.
Identifiers: ClinVar variation 698016 (VCV000698016.17), dbSNP rs780279747, ClinGen allele CA053104.